The following is an entry in ClinVar:

ClinVar aggregate classification (germline): Uncertain significance (1 of 4 stars; one submission).

Submission:

GeneDx
Classification: Uncertain significance. Last evaluated: 2019-05-24. Review status: criteria provided, single submitter. Criteria: GeneDx Variant Classification Process June 2021. Collection method: clinical testing. Allele origin: germline. Affected: yes.
Comment: Not observed in large population cohorts (Lek et al., 2016); In silico analysis, which includes protein predictors and evolutionary conservation, supports a deleterious effect; Has not been previously published as pathogenic or benign to our knowledge

NM_000188.3(HK1):c.215C>T (p.Pro72Leu)

Gene: HK1 (hexokinase 1; plus strand). Cytogenetic location: 10q22.1.
Variant type: single nucleotide variant.
Coding change: c.215C>T on transcript NM_000188.3 (MANE Select); coding-DNA position 215, C replaced by T.
Protein change: p.Pro72Leu; replaces proline 72 with leucine.
Molecular consequence: missense variant.
Genome position (GRCh38, 1-based): chr10:69,343,978, C>T. VCF-style: chr10-69343978-C-T. GRCh37 (hg19) VCF-style: chr10-71103734-C-T.
Other names: c.227C>T, p.Pro76Leu (NM_001322364.2, NM_001358263.1, NM_033497.3 and 1 more transcripts); c.320C>T, p.Pro107Leu (NM_001322365.2); c.131C>T, p.Pro44Leu (NM_001322366.1); c.215C>T, p.Pro72Leu (NM_001322367.1); c.212C>T, p.Pro71Leu (NM_033496.3); c.179C>T, p.Pro60Leu (NM_033500.2); short protein forms P107L, P44L, P60L, P71L, P72L, P76L.
Identifiers: ClinVar variation 1306055 (VCV001306055.2), dbSNP rs2132683421, ClinGen allele CA376907656.